The following is an entry in ClinVar:

ClinVar aggregate classification (germline): Uncertain significance (1 of 4 stars; one submission).

Conditions:
Hereditary cancer-predisposing syndrome. Also called: Hereditary Cancer Syndrome; Hereditary neoplastic syndrome; Neoplastic Syndromes, Hereditary; Tumor predisposition. Identifiers: Orphanet 140162, MedGen C0027672, MeSH D009386, MONDO:0015356.

Submission:

Ambry Genetics
Classification: Uncertain significance for Hereditary cancer-predisposing syndrome. Last evaluated: 2025-09-14. Review status: criteria provided, single submitter. Criteria: Ambry Variant Classification Scheme 2023. Collection method: clinical testing. Allele origin: germline.
Comment: The p.P1618L variant (also known as c.4853C>T), located in coding exon 29 of the ALK gene, results from a C to T substitution at nucleotide position 4853. The proline at codon 1618 is replaced by leucine, an amino acid with similar properties. This amino acid position is conserved. In addition, this alteration is predicted to be tolerated by in silico analysis. Based on the available evidence, the clinical significance of this variant remains unclear.

NM_004304.5(ALK):c.4853C>T (p.Pro1618Leu)

Gene: ALK (ALK receptor tyrosine kinase; minus strand). Cytogenetic location: 2p23.2.
Variant type: single nucleotide variant.
Coding change: c.4853C>T on transcript NM_004304.5 (MANE Select); coding-DNA position 4853, C replaced by T.
Protein change: p.Pro1618Leu; replaces proline 1618 with leucine.
Molecular consequence: missense variant.
Genome position (GRCh38, 1-based): chr2:29,193,234, G>A on the plus strand (C>T on the coding strand, the complement: ALK is on the minus strand). VCF-style: chr2-29193234-G-A. GRCh37 (hg19) VCF-style: chr2-29416100-G-A.
Other names: c.1649C>T, p.Pro550Leu (NM_001353765.2); short protein forms P1618L, P550L.
Identifiers: ClinVar variation 4273333 (VCV004273333.1).